The following is an entry in ClinVar:

NM_001278116.2(L1CAM):c.1297A>C (p.Asn433His)

Gene: L1CAM (L1 cell adhesion molecule; minus strand). Cytogenetic location: Xq28.
Variant type: single nucleotide variant.
Coding change: c.1297A>C on transcript NM_001278116.2 (MANE Select); coding-DNA position 1297, A replaced by C.
Protein change: p.Asn433His; replaces asparagine 433 with histidine.
Molecular consequence: missense variant.
Genome position (GRCh38, 1-based): chrX:153,868,923, T>G on the plus strand (A>C on the coding strand, the complement: L1CAM is on the minus strand). VCF-style: chrX-153868923-T-G. GRCh37 (hg19) VCF-style: chrX-153134378-T-G.
Other names: c.1297A>C (NM_000425.4, NM_000425.3); c.1297A>C, p.Asn433His (NM_000425.5, NM_024003.3); c.1282A>C, p.Asn428His (NM_001143963.2); short protein forms N428H, N433H.
Identifiers: ClinVar variation 2752152 (VCV002752152.6), dbSNP rs782022197, ClinGen allele CA337262885.

ClinVar aggregate classification (germline): Benign/Likely benign. Review status: criteria provided, multiple submitters, no conflicts (2 of 4 stars). 3 submissions from 3 submitters: Benign (1); Likely benign (1). 1 of the submissions does not count toward it. Last evaluated 2024-03-25.

Conditions:
Spastic paraplegia. Identifiers: MedGen C0037772, HP:0001258.
L1CAM-related disorder. Also called: L1CAM-related condition.
Inborn genetic diseases. Identifiers: MedGen C0950123, MeSH D030342.

Allele frequency attached by ClinVar (database versions not stated): gnomAD 0.00001; gnomAD exomes 0.00001; TOPMed 0.00001; ExAC 0.00003.
gnomAD v4.1: 9 of 1,210,002 alleles (0.00074%); highest among the groups gnomAD compares: East Asian, 0.027%; no homozygotes.

Submissions (3):

Ambry Genetics
Classification: Likely benign for Inborn genetic diseases. Last evaluated: 2024-03-25. Review status: criteria provided, single submitter. Criteria: Ambry Variant Classification Scheme 2023. Collection method: clinical testing. Allele origin: germline.

Labcorp Genetics (formerly Invitae), Labcorp
Classification: Benign for Spastic paraplegia. Last evaluated: 2024-02-06. Review status: criteria provided, single submitter. Criteria: Invitae Variant Classification Sherloc (09022015). Collection method: clinical testing. Allele origin: germline.

PreventionGenetics, part of Exact Sciences
Classification: Likely benign for L1CAM-related condition. Last evaluated: 2023-04-26. Review status: no assertion criteria provided. Collection method: clinical testing. Allele origin: germline. Not counted in ClinVar's aggregate classification.
Comment: This variant is classified as likely benign based on ACMG/AMP sequence variant interpretation guidelines (Richards et al. 2015 PMID: 25741868, with internal and published modifications).